The following is an entry in ClinVar:

NM_001905.4(CTPS1):c.1649G>A (p.Arg550Gln)

Gene: CTPS1 (CTP synthase 1; plus strand). Cytogenetic location: 1p34.2.
Variant type: single nucleotide variant.
Coding change: c.1649G>A on transcript NM_001905.4 (MANE Select); coding-DNA position 1649, G replaced by A.
Protein change: p.Arg550Gln; replaces arginine 550 with glutamine.
Molecular consequence: missense variant. On other transcripts: non-coding transcript variant (1).
Genome position (GRCh38, 1-based): chr1:41,009,547, G>A. VCF-style: chr1-41009547-G-A. GRCh37 (hg19) VCF-style: chr1-41475219-G-A.
Other names: c.1181G>A, p.Arg394Gln (NM_001301237.2); short protein forms R550Q, R394Q.
Identifiers: ClinVar variation 662967 (VCV000662967.10), dbSNP rs776186929, ClinGen allele CA795582.

ClinVar aggregate classification (germline): Uncertain significance. Review status: criteria provided, multiple submitters, no conflicts (2 of 4 stars). 2 submissions from 2 submitters: Uncertain significance (2). Last evaluated 2025-11-25.

Conditions:
Combined immunodeficiency due to CTPS1 deficiency. Also called: Immunodeficiency 24; Severe combined immunodeficiency due to CTPS1 deficiency. Identifiers: Orphanet 420573, MedGen C4014617, MONDO:0014391, OMIM 615897.

Allele frequency attached by ClinVar (database versions not stated): TOPMed 0.00007; gnomAD exomes 0.00008; ExAC 0.00010; gnomAD 0.00011 and 0.00013.
gnomAD v4.1: 96 of 1,614,004 alleles (0.0059%); highest among the groups gnomAD compares: Middle Eastern, 0.18%; no homozygotes.

Submissions (2):

Labcorp Genetics (formerly Invitae), Labcorp
Classification: Uncertain significance for Combined immunodeficiency due to CTPS1 deficiency. Last evaluated: 2025-11-25. Review status: criteria provided, single submitter. Criteria: Invitae Variant Classification Sherloc (09022015). Collection method: clinical testing. Allele origin: germline.
Comment: This sequence change replaces arginine, which is basic and polar, with glutamine, which is neutral and polar, at codon 550 of the CTPS1 protein (p.Arg550Gln). This variant is present in population databases (rs776186929, gnomAD 0.01%). This variant has not been reported in the literature in individuals affected with CTPS1-related conditions. ClinVar contains an entry for this variant (Variation ID: 662967). An algorithm developed to predict the effect of missense changes on protein structure and function outputs the following: PolyPhen-2: "Benign". The glutamine amino acid residue is found in multiple mammalian species, which suggests that this missense change does not adversely affect protein function. In summary, the available evidence is currently insufficient to determine the role of this variant in disease. Therefore, it has been classified as a Variant of Uncertain Significance.

Blueprint Genetics
Classification: Uncertain significance. Last evaluated: 2024-02-14. Review status: criteria provided, single submitter. Criteria: ACMG Guidelines, 2015. Collection method: clinical testing. Allele origin: germline.